The following is an entry in ClinVar:

NM_002655.3(PLAG1):c.555C>G (p.His185Gln)

Genes: PLAG1 (PLAG1 zinc finger; minus strand), LOC126860395 (BRD4-independent group 4 enhancer GRCh37_chr8:57079228-57080427; plus strand). Cytogenetic location: 8q12.1.
Variant type: single nucleotide variant.
Coding change: c.555C>G on transcript NM_002655.3 (MANE Select); coding-DNA position 555, C replaced by G.
Protein change: p.His185Gln; replaces histidine 185 with glutamine.
Molecular consequence: missense variant.
Genome position (GRCh38, 1-based): chr8:56,167,191, G>C on the plus strand (C>G on the coding strand, the complement: PLAG1 is on the minus strand). VCF-style: chr8-56167191-G-C. GRCh37 (hg19) VCF-style: chr8-57079750-G-C.
Other names: c.555C>G, p.His185Gln (NM_001114634.2); c.309C>G, p.His103Gln (NM_001114635.2); short protein forms H103Q, H185Q.
Identifiers: ClinVar variation 3390259 (VCV003390259.14).

ClinVar aggregate classification (germline): Uncertain significance (1 of 4 stars; one submission).

Submission:

CeGaT Center for Human Genetics Tuebingen
Classification: Uncertain significance. Last evaluated: 2024-11-01. Review status: criteria provided, single submitter. Criteria: CeGaT Center For Human Genetics Tuebingen Variant Classification Criteria Version 2. Collection method: clinical testing. Allele origin: germline. Affected: yes. Observed: 1 variant allele.
Comment: PLAG1: PM2